The following is an entry in ClinVar:

NM_001972.4(ELANE):c.490G>C (p.Gly164Arg)

Gene: ELANE (elastase, neutrophil expressed; plus strand). Cytogenetic location: 19p13.3.
Variant type: single nucleotide variant.
Coding change: c.490G>C on transcript NM_001972.4 (MANE Select); coding-DNA position 490, G replaced by C.
Protein change: p.Gly164Arg; replaces glycine 164 with arginine.
Molecular consequence: missense variant.
Genome position (GRCh38, 1-based): chr19:855,687, G>C. VCF-style: chr19-855687-G-C. GRCh37 (hg19) VCF-style: chr19-855687-G-C.
Other names: c.490G>C (LRG_57t1); short protein forms G164R.
Identifiers: ClinVar variation 449746 (VCV000449746.23), dbSNP rs112990855, ClinGen allele CA9026072.

ClinVar aggregate classification (germline): Conflicting classifications of pathogenicity. Review status: criteria provided, conflicting classifications (1 of 4 stars). 7 submissions from 7 submitters: Uncertain significance (3); Likely benign (4). Last evaluated 2026-04-13.

Conditions:
Neutropenia, severe congenital, 1, autosomal dominant. Identifiers: MedGen C1859966, MONDO:0042490, OMIM 202700.
Cyclical neutropenia. Also called: Cyclic hematopoiesis; Cyclic Neutropenia. Identifiers: Orphanet 2686, MedGen C0221023, MONDO:0008090, OMIM 162800, HP:0040289. Disease mechanism: loss of function.
Autoinflammatory syndrome. Identifiers: Orphanet 93665, MedGen C3890737, MONDO:0019751.
ELANE-related disorder. Also called: ELANE-related condition.

Allele frequency attached by ClinVar (database versions not stated): ExAC 0.00007; gnomAD exomes 0.00012 and 0.00039; gnomAD 0.00014 and 0.00015; TOPMed 0.00020.
gnomAD v4.1: 604 of 1,609,354 alleles (0.038%); highest among the groups gnomAD compares: Non-Finnish European, 0.048%; 1 homozygote.

Submissions (7):

Women's Health and Genetics/Laboratory Corporation of America, LabCorp
Classification: Likely benign. Last evaluated: 2026-04-13. Review status: criteria provided, single submitter. Criteria: LabCorp Variant Classification Summary - May 2015. Collection method: clinical testing. Allele origin: germline.
Comment: Variant summary: ELANE c.490G>C (p.Gly164Arg) results in a non-conservative amino acid change in the encoded protein sequence. Algorithms developed to predict the effect of missense changes on protein structure and function are either unavailable or do not agree on the potential impact of this missense change. The variant allele was found at a frequency of 0.00012 in 245680 control chromosomes. The observed variant frequency exceeds the estimated maximal expected allele frequency for disease-causing variants in ELANE. To our knowledge, no occurrence of c.490G>C in individuals affected with ELANE-related conditions and no experimental evidence demonstrating its impact on protein function have been reported. ClinVar contains an entry for this variant (Variation ID: 449746). Based on the evidence outlined above, the variant was classified as likely benign.

PreventionGenetics, part of Exact Sciences
Classification: Uncertain significance for ELANE-related condition. Last evaluated: 2026-04-09. Review status: criteria provided, single submitter. Criteria: ACMG Guidelines, 2015. Collection method: clinical testing. Allele origin: germline.
Comment: The ELANE c.490G>C variant is predicted to result in the amino acid substitution p.Gly164Arg. To our knowledge, this variant has not been reported in the literature. This variant is reported in 0.027% of alleles in individuals of European (Non-Finnish) descent in gnomAD. Although we suspect that this variant may be benign, the clinical significance of this variant is uncertain at this time due to the absence of conclusive functional and genetic evidence.

Labcorp Genetics (formerly Invitae), Labcorp
Classification: Uncertain significance for Neutropenia, severe congenital, 1, autosomal dominant; Cyclical neutropenia. Last evaluated: 2026-02-01. Review status: criteria provided, single submitter. Criteria: Invitae Variant Classification Sherloc (09022015). Collection method: clinical testing. Allele origin: germline.
Comment: This sequence change replaces glycine, which is neutral and non-polar, with arginine, which is basic and polar, at codon 164 of the ELANE protein (p.Gly164Arg). This variant is present in population databases (rs112990855, gnomAD 0.02%). This variant has not been reported in the literature in individuals affected with ELANE-related conditions. ClinVar contains an entry for this variant (Variation ID: 449746). Invitae Evidence Modeling of protein sequence and biophysical properties (such as structural, functional, and spatial information, amino acid conservation, physicochemical variation, residue mobility, and thermodynamic stability) indicates that this missense variant is not expected to disrupt ELANE protein function with a negative predictive value of 95%. In summary, the available evidence is currently insufficient to determine the role of this variant in disease. Therefore, it has been classified as a Variant of Uncertain Significance.

Blueprint Genetics
Classification: Likely benign. Last evaluated: 2024-09-03. Review status: criteria provided, single submitter. Criteria: ACMG Guidelines, 2015. Collection method: clinical testing. Allele origin: germline.

Genetics and Molecular Pathology, SA Pathology
Classification: Likely benign for Cyclical neutropenia. Last evaluated: 2022-08-24. Review status: criteria provided, single submitter. Criteria: ACMG Guidelines, 2015. Collection method: clinical testing. Allele origin: germline. Inheritance: Autosomal dominant inheritance. Affected: yes.

GeneDx
Classification: Uncertain significance. Last evaluated: 2021-02-25. Review status: criteria provided, single submitter. Criteria: GeneDx Variant Classification Process June 2021. Collection method: clinical testing. Allele origin: germline. Affected: yes.
Comment: Identified as G135R by alternate nomenclature, in a patient with cyclic neutropenia, but with limited evidence of pathogenicity (Germeshausen et al., 2013); In silico analysis supports that this missense variant does not alter protein structure/function; This variant is associated with the following publications: (PMID: 23463630)

Genome Diagnostics Laboratory, The Hospital for Sick Children
Classification: Likely benign for Autoinflammatory syndrome. Last evaluated: 2020-07-01. Review status: criteria provided, single submitter. Criteria: ACMG Guidelines, 2015. Collection method: clinical testing. Allele origin: germline. Affected: yes.